The following is an entry in ClinVar:

ClinVar aggregate classification (germline): Uncertain significance (1 of 4 stars; one submission).

Allele frequency attached by ClinVar (database versions not stated): gnomAD 0.00001.
gnomAD v4.1: 1 of 1,613,868 alleles (0.000062%); highest among the groups gnomAD compares: Admixed American, 0.0017%; no homozygotes.

Submission:

Labcorp Genetics (formerly Invitae), Labcorp
Classification: Uncertain significance. Last evaluated: 2022-05-25. Review status: criteria provided, single submitter. Criteria: Invitae Variant Classification Sherloc (09022015). Collection method: clinical testing. Allele origin: germline.
Comment: In summary, the available evidence is currently insufficient to determine the role of this variant in disease. Therefore, it has been classified as a Variant of Uncertain Significance. Algorithms developed to predict the effect of missense changes on protein structure and function are either unavailable or do not agree on the potential impact of this missense change (SIFT: "Deleterious"; PolyPhen-2: "Possibly Damaging"; Align-GVGD: "Class C0"). This variant has not been reported in the literature in individuals affected with SPP2-related conditions. This variant is not present in population databases (gnomAD no frequency). This sequence change replaces alanine, which is neutral and non-polar, with valine, which is neutral and non-polar, at codon 124 of the SPP2 protein (p.Ala124Val).

NM_006944.3(SPP2):c.371C>T (p.Ala124Val)

Gene: SPP2 (secreted phosphoprotein 2; plus strand). Cytogenetic location: 2q37.1.
Variant type: single nucleotide variant.
Coding change: c.371C>T on transcript NM_006944.3 (MANE Select); coding-DNA position 371, C replaced by T.
Protein change: p.Ala124Val; replaces alanine 124 with valine.
Molecular consequence: missense variant.
Genome position (GRCh38, 1-based): chr2:234,060,406, C>T. VCF-style: chr2-234060406-C-T. GRCh37 (hg19) VCF-style: chr2-234969050-C-T.
Other names: short protein forms A124V.
Identifiers: ClinVar variation 1998882 (VCV001998882.4), dbSNP rs1693694720, ClinGen allele CA351103173.